The following is an entry in ClinVar:

NM_138694.4(PKHD1):c.11924T>A (p.Ile3975Asn)

Gene: PKHD1 (PKHD1 ciliary IPT domain containing fibrocystin/polyductin; minus strand). Cytogenetic location: 6p12.3.
Variant type: single nucleotide variant.
Coding change: c.11924T>A on transcript NM_138694.4 (MANE Select); coding-DNA position 11924, T replaced by A.
Protein change: p.Ile3975Asn; replaces isoleucine 3975 with asparagine.
Molecular consequence: missense variant.
Genome position (GRCh38, 1-based): chr6:51,619,382, A>T on the plus strand (T>A on the coding strand, the complement: PKHD1 is on the minus strand). VCF-style: chr6-51619382-A-T. GRCh37 (hg19) VCF-style: chr6-51484180-A-T.
Other names: p.Ile3975Asn; short protein forms I3975N.
Identifiers: ClinVar variation 4541166 (VCV004541166.1).

ClinVar aggregate classification (germline): Uncertain significance (1 of 4 stars; one submission).

Submission:

Mayo Clinic Laboratories, Mayo Clinic
Classification: Uncertain significance. Last evaluated: 2025-11-06. Review status: criteria provided, single submitter. Criteria: ACMG Guidelines, 2015. Collection method: clinical testing. Allele origin: germline. Observed: 1 variant allele.
Comment: BP4, PM2_supporting